The following is an entry in ClinVar:

NM_001376.5(DYNC1H1):c.5650dup (p.Leu1884fs)

Gene: DYNC1H1 (dynein cytoplasmic 1 heavy chain 1; plus strand). Cytogenetic location: 14q32.31.
Variant type: Duplication.
Coding change: c.5650dup on transcript NM_001376.5 (MANE Select); coding-DNA position 5650, one base duplicated (C; older notation c.5650dupC).
Protein change: p.Leu1884fs; shifts the reading frame from leucine 1884.
Molecular consequence: frameshift variant.
Genome position (GRCh38, 1-based): chr14:102,006,104, C duplicated; the last of 6 consecutive C bases (chr14:102,006,099-102,006,104); duplicating any one gives the same sequence. VCF-style (leftmost placement, unchanged base first): chr14-102006098-A-AC. GRCh37 (hg19) VCF-style: chr14-102472435-A-AC.
Other names: short protein forms L1884fs.
Identifiers: ClinVar variation 2093533 (VCV002093533.4), dbSNP rs2048193388, ClinGen allele CA2580088443.

ClinVar aggregate classification (germline): Uncertain significance (1 of 4 stars; one submission).

Conditions:
Charcot-Marie-Tooth disease axonal type 2O. Also called: CHARCOT-MARIE-TOOTH NEUROPATHY, AXONAL, TYPE 2O; CHARCOT-MARIE-TOOTH DISEASE, AXONAL, AUTOSOMAL DOMINANT, TYPE 2O; Charcot-Marie-Tooth disease, axonal, type 20; Charcot-Marie-Tooth Neuropathy Type 2O. Identifiers: Orphanet 284232, MedGen C3280220, MONDO:0013644, OMIM 614228.

Submission:

Labcorp Genetics (formerly Invitae), Labcorp
Classification: Uncertain significance for Charcot-Marie-Tooth disease axonal type 2O. Last evaluated: 2022-09-30. Review status: criteria provided, single submitter. Criteria: Invitae Variant Classification Sherloc (09022015). Collection method: clinical testing. Allele origin: germline.
Comment: This variant has not been reported in the literature in individuals affected with DYNC1H1-related conditions. In summary, the available evidence is currently insufficient to determine the role of this variant in disease. Therefore, it has been classified as a Variant of Uncertain Significance. This variant is not present in population databases (gnomAD no frequency). This sequence change creates a premature translational stop signal (p.Leu1884Profs*3) in the DYNC1H1 gene. It is expected to result in an absent or disrupted protein product. However, the current clinical and genetic evidence is not sufficient to establish whether loss-of-function variants in DYNC1H1 cause disease.